The following is an entry in ClinVar:

ClinVar aggregate classification (germline): Uncertain significance. Review status: criteria provided, multiple submitters, no conflicts (2 of 4 stars). 2 submissions from 2 submitters: Uncertain significance (2). Last evaluated 2024-10-02.

Conditions:
Inborn genetic diseases. Identifiers: MedGen C0950123, MeSH D030342.

Allele frequency attached by ClinVar (database versions not stated): TOPMed 0.00001; gnomAD exomes 0.00002.
gnomAD v4.1: 28 of 1,614,022 alleles (0.0017%); highest among the groups gnomAD compares: Non-Finnish European, 0.0022%; no homozygotes.

Submissions (2):

Labcorp Genetics (formerly Invitae), Labcorp
Classification: Uncertain significance. Last evaluated: 2024-10-02. Review status: criteria provided, single submitter. Criteria: Invitae Variant Classification Sherloc (09022015). Collection method: clinical testing. Allele origin: germline.
Comment: This sequence change replaces glycine, which is neutral and non-polar, with serine, which is neutral and polar, at codon 327 of the COCH protein (p.Gly327Ser). This variant is present in population databases (no rsID available, gnomAD 0.0009%). This variant has not been reported in the literature in individuals affected with COCH-related conditions. ClinVar contains an entry for this variant (Variation ID: 2298249). Invitae Evidence Modeling of protein sequence and biophysical properties (such as structural, functional, and spatial information, amino acid conservation, physicochemical variation, residue mobility, and thermodynamic stability) indicates that this missense variant is not expected to disrupt COCH protein function with a negative predictive value of 80%. In summary, the available evidence is currently insufficient to determine the role of this variant in disease. Therefore, it has been classified as a Variant of Uncertain Significance.

Ambry Genetics
Classification: Uncertain significance for Inborn genetic diseases. Last evaluated: 2022-06-28. Review status: criteria provided, single submitter. Criteria: Ambry Variant Classification Scheme 2023. Collection method: clinical testing. Allele origin: germline.

NM_004086.3(COCH):c.979G>A (p.Gly327Ser)

Genes: COCH (cochlin; plus strand), COCH-AS1 (COCH antisense RNA 1; minus strand). Cytogenetic location: 14q12.
Variant type: single nucleotide variant.
Coding change: c.979G>A on transcript NM_004086.3 (MANE Select); coding-DNA position 979, G replaced by A.
Protein change: p.Gly327Ser; replaces glycine 327 with serine.
Molecular consequence: missense variant. On other transcripts: non-coding transcript variant (1).
Genome position (GRCh38, 1-based): chr14:30,885,814, G>A. VCF-style: chr14-30885814-G-A. GRCh37 (hg19) VCF-style: chr14-31355020-G-A.
Other names: c.979G>A, p.Gly327Ser (NM_001135058.2); c.1174G>A, p.Gly392Ser (NM_001347720.2); short protein forms G392S, G327S.
Identifiers: ClinVar variation 2298249 (VCV002298249.5), dbSNP rs1425201775, ClinGen allele CA389348004.